The following is an entry in ClinVar:

ClinVar aggregate classification (germline): Conflicting classifications of pathogenicity. Review status: criteria provided, conflicting classifications (1 of 4 stars). 4 submissions from 4 submitters: Uncertain significance (1); Likely benign (3). Last evaluated 2026-01-18.

Conditions:
IL12RB2-related disorder. Also called: IL12RB2-related condition.

Allele frequency attached by ClinVar (database versions not stated): gnomAD exomes 0.00006 and 0.00020; ExAC 0.00020; gnomAD 0.00068 and 0.00071; TOPMed 0.00072; ESP Exome Variant Server 0.00077; 1000 Genomes Project 0.00140; 1000 Genomes Project 30x 0.00141.
gnomAD v4.1: 194 of 1,613,954 alleles (0.012%); highest among the groups gnomAD compares: African/African-American, 0.22%; 1 homozygote.

Submissions (4):

Labcorp Genetics (formerly Invitae), Labcorp
Classification: Likely benign. Last evaluated: 2026-01-18. Review status: criteria provided, single submitter. Criteria: Invitae Variant Classification Sherloc (09022015). Collection method: clinical testing. Allele origin: germline.

Ambry Genetics
Classification: Uncertain significance. Last evaluated: 2025-08-06. Review status: criteria provided, single submitter. Criteria: Ambry Variant Classification Scheme 2023. Collection method: clinical testing. Allele origin: germline.

PreventionGenetics, part of Exact Sciences
Classification: Likely benign for IL12RB2-related condition. Last evaluated: 2025-06-19. Review status: criteria provided, single submitter. Criteria: ACMG Guidelines, 2015. Collection method: clinical testing. Allele origin: germline.
Comment: This variant is classified as likely benign based on ACMG/AMP sequence variant interpretation guidelines (Richards et al. 2015 PMID: 25741868, with internal and published modifications).

Blueprint Genetics
Classification: Likely benign. Last evaluated: 2022-09-28. Review status: criteria provided, single submitter. Criteria: ACMG Guidelines, 2015. Collection method: clinical testing. Allele origin: germline.

NM_001374259.2(IL12RB2):c.10A>G (p.Thr4Ala)

Gene: IL12RB2 (interleukin 12 receptor subunit beta 2; plus strand). Cytogenetic location: 1p31.3.
Variant type: single nucleotide variant.
Coding change: c.10A>G on transcript NM_001374259.2 (MANE Select); coding-DNA position 10, A replaced by G.
Protein change: p.Thr4Ala; replaces threonine 4 with alanine.
Molecular consequence: missense variant. On other transcripts: non-coding transcript variant (2).
Genome position (GRCh38, 1-based): chr1:67,320,378, A>G. VCF-style: chr1-67320378-A-G. GRCh37 (hg19) VCF-style: chr1-67786061-A-G.
Other names: c.10A>G, p.Thr4Ala (NM_001258214.1, NM_001258215.1, NM_001258216.1 and 2 more transcripts); c.10A>G (NM_001559.2); short protein forms T4A.
Identifiers: ClinVar variation 1549708 (VCV001549708.11), dbSNP rs142841707, ClinGen allele CA900088.